The following is an entry in ClinVar:

NM_001243925.2(MAPKAPK3):c.481A>G (p.Asn161Asp)

Gene: MAPKAPK3 (MAPK activated protein kinase 3; plus strand). Cytogenetic location: 3p21.2.
Variant type: single nucleotide variant.
Coding change: c.481A>G on transcript NM_001243925.2 (MANE Select); coding-DNA position 481, A replaced by G.
Protein change: p.Asn161Asp; replaces asparagine 161 with aspartic acid.
Molecular consequence: missense variant.
Genome position (GRCh38, 1-based): chr3:50,642,309, A>G. VCF-style: chr3-50642309-A-G. GRCh37 (hg19) VCF-style: chr3-50679740-A-G.
Other names: c.481A>G, p.Asn161Asp (NM_001243926.2, NM_004635.5); short protein forms N161D.
Identifiers: ClinVar variation 2086719 (VCV002086719.4), dbSNP rs2033194043, ClinGen allele CA352928128.
Genomic context (GRCh38, chr3:50,642,309, plus strand): 5'-GCAGAAGCTGCAGAGATAATGCGGGATATTGGCACTGCCATCCAGTTTCTGCACAGCCAT[A>G]ACATTGCCCACCGAGATGTCAAGGTGAGGCTCCAGGATTCAGGTTGGGGGCCCGGGGAAG-3'
Protein context (NP_001230854.1, residues 151-171): GTAIQFLHSH[Asn161Asp]IAHRDVKPEN

ClinVar aggregate classification (germline): Uncertain significance (1 of 4 stars; one submission).

Allele frequency attached by ClinVar (database versions not stated): gnomAD exomes below 0.00001.

Submission:

Labcorp Genetics (formerly Invitae), Labcorp
Classification: Uncertain significance. Last evaluated: 2022-08-09. Review status: criteria provided, single submitter. Criteria: Invitae Variant Classification Sherloc (09022015). Collection method: clinical testing. Allele origin: germline.
Comment: This variant has not been reported in the literature in individuals affected with MAPKAPK3-related conditions. Algorithms developed to predict the effect of missense changes on protein structure and function are either unavailable or do not agree on the potential impact of this missense change (SIFT: "Deleterious"; PolyPhen-2: "Benign"; Align-GVGD: "Class C15"). In summary, the available evidence is currently insufficient to determine the role of this variant in disease. Therefore, it has been classified as a Variant of Uncertain Significance. This variant is not present in population databases (gnomAD no frequency). This sequence change replaces asparagine, which is neutral and polar, with aspartic acid, which is acidic and polar, at codon 161 of the MAPKAPK3 protein (p.Asn161Asp).